The following is an entry in ClinVar:

ClinVar aggregate classification (germline): Uncertain significance (1 of 4 stars; one submission).

Conditions:
Ornithine aminotransferase deficiency (GACR). Also called: Ornithine ketoacid aminotransferase deficiency; Gyrate atrophy; Gyrate atrophy of choroid and retina; Girate atrophy of the retina; HYPERORNITHINEMIA WITH GYRATE ATROPHY OF CHOROID AND RETINA; OAT DEFICIENCY. Identifiers: Orphanet 414, MedGen C0018425, MONDO:0009796, OMIM 258870.

Submission:

Labcorp Genetics (formerly Invitae), Labcorp
Classification: Uncertain significance for Ornithine aminotransferase deficiency. Last evaluated: 2022-05-04. Review status: criteria provided, single submitter. Criteria: Invitae Variant Classification Sherloc (09022015). Collection method: clinical testing. Allele origin: germline.
Comment: This sequence change falls in intron 9 of the OAT gene. It does not directly change the encoded amino acid sequence of the OAT protein. It affects a nucleotide within the consensus splice site. This variant is not present in population databases (gnomAD no frequency). This variant has not been reported in the literature in individuals affected with OAT-related conditions. Variants that disrupt the consensus splice site are a relatively common cause of aberrant splicing (PMID: 17576681, 9536098). Algorithms developed to predict the effect of sequence changes on RNA splicing suggest that this variant may disrupt the consensus splice site. In summary, the available evidence is currently insufficient to determine the role of this variant in disease. Therefore, it has been classified as a Variant of Uncertain Significance.

Literature cited by the submitters: PubMed 17576681; PubMed 9536098.

NM_000274.4(OAT):c.1159+2_1159+3insAAAGAAACCAAAGGTGTGCTCAATGGTGCCCAGGCTGGAGTGCAGTGGCATGATCTCGGCTCGCTACAACCACCTCCCAGCCGCCTGCCTTNNNNNNNNNNAAAAAAAAAAAAAAAAAAAA

Gene: OAT (ornithine aminotransferase; minus strand). Cytogenetic location: 10q26.13.
Variant type: Insertion.
Coding change: c.1159+2_1159+3insAAAGAAACCAAAGGTGTGCTCAATGGTGCCCAGGCTGGAGTGCAGTGGCATGATCTCGGCTCGCTACAACCACCTCCCAGCCGCCTGCCTTNNNNNNNNNNAAAAAAAAAAAAAAAAAAAA on transcript NM_000274.4 (MANE Select); the canonical splice donor site of the intron after coding-DNA position 1159 through 3 bases into the intron after coding-DNA position 1159, AAAGAAACCAAAGGTGTGCTCAATGGTGCCCAGGCTGGAGTGCAGTGGCATGATCTCGGCTCGCTACAACCACCTCCCAGCCGCCTGCCTTNNNNNNNNNNAAAAAAAAAAAAAAAAAAAA inserted.
Molecular consequence: splice donor variant.
Genome position: GRCh38: chr10:124,400,852-124,400,853. GRCh37 (hg19): chr10:126,089,421-126,089,422.
Other names: c.1159+2_1159+3insAAAGAAACCAAAGGTGTGCTCAATGGTGCCCAGGCTGGAGTGCAGTGGCATGATCTCGGCTCGCTACAACCACCTCCCAGCCGCCTGCCTTNNNNNNNNNNAAAAAAAAAAAAAAAAAAAA (NM_001322965.2, NM_001322969.2, NM_001322966.2 and 3 more transcripts); c.745+2_745+3insAAAGAAACCAAAGGTGTGCTCAATGGTGCCCAGGCTGGAGTGCAGTGGCATGATCTCGGCTCGCTACAACCACCTCCCAGCCGCCTGCCTTNNNNNNNNNNAAAAAAAAAAAAAAAAAAAA (NM_001171814.2); c.559+2_559+3insAAAGAAACCAAAGGTGTGCTCAATGGTGCCCAGGCTGGAGTGCAGTGGCATGATCTCGGCTCGCTACAACCACCTCCCAGCCGCCTGCCTTNNNNNNNNNNAAAAAAAAAAAAAAAAAAAA (NM_001322974.2); c.838+2_838+3insAAAGAAACCAAAGGTGTGCTCAATGGTGCCCAGGCTGGAGTGCAGTGGCATGATCTCGGCTCGCTACAACCACCTCCCAGCCGCCTGCCTTNNNNNNNNNNAAAAAAAAAAAAAAAAAAAA (NM_001322971.2).
Identifiers: ClinVar variation 2133723 (VCV002133723.1), dbSNP rs2494443622.